The following is an entry in ClinVar:

ClinVar aggregate classification (germline): Likely pathogenic (1 of 4 stars; one submission).

Conditions:
Epidermolysis bullosa simplex with nail dystrophy (EBS5D). Identifiers: MedGen C4225309, MONDO:0014661, OMIM 616487.

gnomAD v4.1: 1 of 1,610,456 alleles (0.000062%); highest among the groups gnomAD compares: South Asian, 0.0011%; no homozygotes.

Submission:

Neuberg Centre For Genomic Medicine, NCGM
Classification: Likely pathogenic for Epidermolysis bullosa simplex with nail dystrophy. Review status: criteria provided, single submitter. Criteria: ACMG Guidelines, 2015. Collection method: clinical testing. Allele origin: germline. Inheritance: Autosomal recessive inheritance. Affected: yes.
Comment: The missense variant in c.11261G>A (p.Arg3754His) in PLEC gene has not been reported previously as a pathogenic variant nor as a benign variant, to our knowledge. The p.Arg3754His variant is reported with the allele frequency (0.005%) in the gnomad and novel in 1000 genome database. The amino acid Arg at position 3754 is changed to a His changing protein sequence and it might alter its composition and physico-chemical properties. The variant is predicted to be damaging by both SIFT and PolyPhen2. The residue is conserved across species. The amino acid change p.Arg3754His in PLEC is predicted as conserved by GERP++ and PhyloP across 100 vertebrates. For these reasons, this variant has been classified as Variant of Uncertain Significance.

NM_201384.3(PLEC):c.1264-1G>A

Gene: PLEC (plectin; minus strand). Cytogenetic location: 8q24.3.
Variant type: single nucleotide variant.
Coding change: c.1264-1G>A on transcript NM_201384.3 (MANE Select); the canonical splice acceptor site of the intron before coding-DNA position 1264, G replaced by A.
Molecular consequence: splice acceptor variant.
Genome position (GRCh38, 1-based): chr8:143,933,352, C>T on the plus strand (G>A on the coding strand, the complement: PLEC is on the minus strand). VCF-style: chr8-143933352-C-T. GRCh37 (hg19) VCF-style: chr8-145007520-C-T.
Other names: c.1345-1G>A (NM_001410941.1, NM_000445.5); c.1222-1G>A (NM_201378.4); c.1198-1G>A (NM_201379.3); c.1675-1G>A (NM_201380.4); c.1168-1G>A (NM_201381.3); c.1264-1G>A (NM_201382.4); c.1276-1G>A (NM_201383.3).
Identifiers: ClinVar variation 2585475 (VCV002585475.1), dbSNP rs2538901222, ClinGen allele CA372582747.
Genomic context (GRCh38, chr8:143,933,352, plus strand): 5'-GTCCCGTTCCACCTCCCCCGCCCGCTGTGGCACTTTGCCTGCAGCCAGCAGCCGGACATC[C>T]TGCAAGGTCGTTGCCATGACTCGGAGCACAGCTGATCCCCCTCTGACCTCACAGGGGCCC-3'